The following is an entry in ClinVar:

ClinVar aggregate classification (germline): Benign (1 of 4 stars; one submission).

Conditions:
Multiple sulfatase deficiency (MSD). Also called: Mucosulfatidosis; Multiple Sulfatase Deficiency Disease; Sulfatidosis, Juvenile, Austin Type. Identifiers: Orphanet 585, MedGen C0268263, MONDO:0010088, OMIM 272200.

Allele frequency attached by ClinVar (database versions not stated): gnomAD 0.00966 and 0.01035; TOPMed 0.01102; 1000 Genomes Project 30x 0.01312; 1000 Genomes Project 0.01318.

Submission:

Illumina Laboratory Services, Illumina
Classification: Benign for Multiple sulfatase deficiency. Last evaluated: 2018-01-13. Review status: criteria provided, single submitter. Criteria: ICSL Variant Classification Criteria 13 December 2019. Collection method: clinical testing. Allele origin: germline.
Comment: This variant was observed in the ICSL laboratory as part of a predisposition screen in an ostensibly healthy population. It had not been previously curated by ICSL or reported in the Human Gene Mutation Database (HGMD: prior to June 1st, 2018), and was therefore a candidate for classification through an automated scoring system. Utilizing variant allele frequency, disease prevalence and penetrance estimates, and inheritance mode, an automated score was calculated to assess if this variant is too frequent to cause the disease. Based on the score and internal cut-off values, a variant classified as benign is not then subjected to further curation. The score for this variant resulted in a classification of benign for this disease.

NM_182760.4(SUMF1):c.*917G>T

Gene: SUMF1 (sulfatase modifying factor 1; minus strand). Cytogenetic location: 3p26.1.
Variant type: single nucleotide variant.
Coding change: c.*917G>T on transcript NM_182760.4 (MANE Select); 917 bases downstream of the stop codon, G replaced by T.
Molecular consequence: 3 prime UTR variant.
Genome position (GRCh38, 1-based): chr3:4,361,227, C>A on the plus strand (G>T on the coding strand, the complement: SUMF1 is on the minus strand). VCF-style: chr3-4361227-C-A. GRCh37 (hg19) VCF-style: chr3-4402911-C-A.
Other names: c.*917G>T (NM_001164674.2, NM_001164675.2).
Identifiers: ClinVar variation 345288 (VCV000345288.5), dbSNP rs116661242, ClinGen allele CA10618764.
Genomic context (GRCh38, chr3:4,361,227, plus strand): 5'-ATTCAACACAGTGCATGATTCAAAGCATCGGATATTCCACAGCCAACAAGGTTTCCTATT[C>A]CCTATTACAAAATACCGGATACCCTGAATATAGCTCATTCAAGGTCCTCGTTCCTTTTTC-3'